The following is an entry in ClinVar:

ClinVar aggregate classification (germline): Conflicting classifications of pathogenicity. Review status: criteria provided, conflicting classifications (1 of 4 stars). 2 submissions from 2 submitters: Uncertain significance (1); Likely benign (1). Last evaluated 2026-09-09.

Conditions:
PCNT-related disorder. Also called: PCNT-related condition.
Inborn genetic diseases. Identifiers: MedGen C0950123, MeSH D030342.

gnomAD v4.1: 2 of 1,613,556 alleles (0.00012%); highest among the groups gnomAD compares: Admixed American, 0.0017%; no homozygotes.

Submissions (2):

PreventionGenetics, part of Exact Sciences
Classification: Uncertain significance for PCNT-related condition. Last evaluated: 2026-09-09. Review status: criteria provided, single submitter. Criteria: ACMG Guidelines, 2015. Collection method: clinical testing. Allele origin: germline.
Comment: The PCNT c.6620C>A variant is predicted to result in the amino acid substitution p.Ala2207Glu. To our knowledge, this variant has not been reported in the literature. This variant is reported in 0.0041% of alleles in individuals of African descent in gnomAD. At this time, the clinical significance of this variant is uncertain due to the absence of conclusive functional and genetic evidence.

Ambry Genetics
Classification: Likely benign for Inborn genetic diseases. Last evaluated: 2025-06-25. Review status: criteria provided, single submitter. Criteria: Ambry Variant Classification Scheme 2023. Collection method: clinical testing. Allele origin: germline.

NM_006031.6(PCNT):c.6620C>A (p.Ala2207Glu)

Gene: PCNT (pericentrin; plus strand). Cytogenetic location: 21q22.3.
Variant type: single nucleotide variant.
Coding change: c.6620C>A on transcript NM_006031.6 (MANE Select); coding-DNA position 6620, C replaced by A.
Protein change: p.Ala2207Glu; replaces alanine 2207 with glutamic acid.
Molecular consequence: missense variant.
Genome position (GRCh38, 1-based): chr21:46,416,538, C>A. VCF-style: chr21-46416538-C-A. GRCh37 (hg19) VCF-style: chr21-47836452-C-A.
Other names: c.6266C>A, p.Ala2089Glu (NM_001315529.2); short protein forms A2089E, A2207E.
Identifiers: ClinVar variation 4133321 (VCV004133321.2).